The following is an entry in ClinVar:

ClinVar aggregate classification (germline): Pathogenic (1 of 4 stars; one submission).

Conditions:
Familial adenomatous polyposis 1 (FAP1). Also called: FAMILIAL ADENOMATOUS POLYPOSIS 1, ATTENUATED; POLYPOSIS, ADENOMATOUS INTESTINAL. Identifiers: MedGen C2713442, MONDO:0021056, OMIM 175100. Disease mechanism: loss of function.

Submission:

Myriad Genetics, Inc.
Classification: Pathogenic for Familial adenomatous polyposis 1. Last evaluated: 2023-04-28. Review status: criteria provided, single submitter. Criteria: Myriad Autosomal Dominant, Autosomal Recessive and X-Linked Classification Criteria (2023). Collection method: clinical testing. Allele origin: unknown.
Comment: This variant is considered pathogenic. This variant creates a frameshift predicted to result in premature protein truncation.

NM_000038.6(APC):c.1099dup (p.Ser367fs)

Gene: APC (APC regulator of Wnt signaling pathway; plus strand). Cytogenetic location: 5q22.2.
Variant type: Duplication.
Coding change: c.1099dup on transcript NM_000038.6 (MANE Select); coding-DNA position 1099, one base duplicated (T; older notation c.1099dupT).
Protein change: p.Ser367fs; shifts the reading frame from serine 367.
Molecular consequence: frameshift variant. On other transcripts: non-coding transcript variant (2), intron variant (15).
Genome position (GRCh38, 1-based): chr5:112,819,131, T duplicated. VCF-style (leftmost placement, unchanged base first): chr5-112819130-C-CT. GRCh37 (hg19) VCF-style: chr5-112154827-C-CT.
Other names: c.1099dup, p.Ser367fs (NM_001127510.3, NM_001354895.2, NM_001354896.2 and 4 more transcripts); c.1045dup, p.Ser349fs (NM_001127511.3); c.1129dup, p.Ser377fs (NM_001354897.2, NM_001407446.1); c.1024dup, p.Ser342fs (NM_001354898.2, NM_001407451.1); c.1015dup, p.Ser339fs (NM_001354899.2, NM_001407452.1); c.922dup, p.Ser308fs (NM_001354900.2, NM_001354901.2, NM_001407453.1); c.250dup, p.Ser84fs (NM_001354906.2, NM_001407470.1); c.85-138dup (NM_001407472.1, NM_001407471.1); and 5 more; short protein forms S308fs, S339fs, S342fs, S349fs, S367fs, S377fs, S84fs.
Identifiers: ClinVar variation 2584115 (VCV002584115.1), dbSNP rs2533045202, ClinGen allele CA2582341365.